The following is an entry in ClinVar:

NM_015656.2(KIF26A):c.3383C>T (p.Thr1128Met)

Gene: KIF26A (kinesin family member 26A; plus strand). Cytogenetic location: 14q32.33.
Variant type: single nucleotide variant.
Coding change: c.3383C>T on transcript NM_015656.2 (MANE Select); coding-DNA position 3383, C replaced by T.
Protein change: p.Thr1128Met; replaces threonine 1128 with methionine.
Molecular consequence: missense variant.
Genome position (GRCh38, 1-based): chr14:104,176,171, C>T. VCF-style: chr14-104176171-C-T. GRCh37 (hg19) VCF-style: chr14-104642508-C-T.
Other names: short protein forms T1128M.
Identifiers: ClinVar variation 4092664 (VCV004092664.3).

ClinVar aggregate classification (germline): Uncertain significance. Review status: criteria provided, multiple submitters, no conflicts (2 of 4 stars). 2 submissions from 2 submitters: Uncertain significance (2). Last evaluated 2026-02-27.

gnomAD v4.1: 74 of 1,592,790 alleles (0.0046%); highest among the groups gnomAD compares: African/African-American, 0.055%; no homozygotes.

Submissions (2):

Dasa
Classification: Uncertain significance. Last evaluated: 2026-02-27. Review status: criteria provided, single submitter. Criteria: DASA Assertion Criteria. Collection method: clinical testing. Allele origin: germline.
Comment: NM_015656.2(KIF26A):c.3383C>T (p.Thr1128Met) is a missense variant that results in the substitution of threonine with methionine. This variant is rare in population databases. The currently available literature and clinical evidence are not sufficient to establish a definitive association between this variant and the reported condition. Therefore, this variant is classified as a variant of uncertain significance.

Ambry Genetics
Classification: Uncertain significance. Last evaluated: 2025-08-27. Review status: criteria provided, single submitter. Criteria: Ambry Variant Classification Scheme 2023. Collection method: clinical testing. Allele origin: germline.